The following is an entry in ClinVar:

Conditions:
Breast-ovarian cancer, familial, susceptibility to, 1 (BROVCA1). Also called: BRCA1 Hereditary Breast and Ovarian Cancer; OVARIAN CANCER, SUSCEPTIBILITY TO. Identifiers: Orphanet 145, MedGen C2676676, MONDO:0011450, OMIM 604370. Disease mechanism: loss of function.

Submission:

Brotman Baty Institute, University of Washington
No classification provided (evidence only). Condition: Breast-ovarian cancer, familial 1. Review status: no classification provided. Collection method: in vitro. Allele origin: not applicable. Functional consequence: functionally_normal.
ClinVar note: "not provided" was previously submitted as the classification for the variant. However, the classification appeared to be based only on an observation of functional data so it was converted to no classification on 2025-07-30.

NM_007294.4(BRCA1):c.134+10A>C

Gene: BRCA1 (BRCA1 DNA repair associated; minus strand). Cytogenetic location: 17q21.31.
Variant type: single nucleotide variant.
Coding change: c.134+10A>C on transcript NM_007294.4 (MANE Select); 10 bases into the intron after coding-DNA position 134, A replaced by C.
Molecular consequence: intron variant.
Genome position (GRCh38, 1-based): chr17:43,115,716, T>G on the plus strand (A>C on the coding strand, the complement: BRCA1 is on the minus strand). VCF-style: chr17-43115716-T-G. GRCh37 (hg19) VCF-style: chr17-41267733-T-G.
Other names: c.-8+10A>C (NM_001408458.1, NM_001408470.1, NM_001407848.1 and 47 more transcripts); c.-219+9561A>C (NM_001407967.1); c.-170+9561A>C (NM_001407959.1); c.-7-9183A>C (NM_001407931.1, NM_001407747.1, NM_001408511.1 and 2 more transcripts); c.-170+10A>C (NM_001407962.1, NM_001408512.1, NM_001408510.1 and 1 more transcripts); c.-55+10A>C (NM_001407885.1, NM_001407886.1, NM_001408509.1 and 52 more transcripts); c.-124+10A>C (NM_001407746.1, NM_001408468.1, NM_001407842.1 and 13 more transcripts); c.-8+8301A>C (NM_001408461.1, NM_001407738.1, NM_001407932.1 and 23 more transcripts); and 10 more.
Identifiers: ClinVar variation 865158 (VCV000865158.3), dbSNP rs2055240559, ClinGen allele CA916080985.
Genomic context (GRCh38, chr17:43,115,716, plus strand): 5'-GGTGTTTCCTGGGTTATGAAGGACAAAAACAAAAGCTAATAATGGAGCCACATAACACAT[T>G]CAAACTTACTTGCAAAATATGTGGTCACACTTTGTGGAGACAGGTTCCTTGATCAACTCC-3'